The following is an entry in ClinVar:

NM_002230.4(JUP):c.427G>A (p.Ala143Thr)

Gene: JUP (junction plakoglobin; minus strand). Cytogenetic location: 17q21.2.
Variant type: single nucleotide variant.
Coding change: c.427G>A on transcript NM_002230.4 (MANE Select); coding-DNA position 427, G replaced by A.
Protein change: p.Ala143Thr; replaces alanine 143 with threonine.
Molecular consequence: missense variant.
Genome position (GRCh38, 1-based): chr17:41,769,459, C>T on the plus strand (G>A on the coding strand, the complement: JUP is on the minus strand). VCF-style: chr17-41769459-C-T. GRCh37 (hg19) VCF-style: chr17-39925711-C-T.
Other names: c.427G>A, p.Ala143Thr (NM_001352773.2, NM_001352774.2, NM_001352775.2 and 3 more transcripts); c.427G>A (NM_002230.3); short protein forms A143T.
Identifiers: ClinVar variation 201811 (VCV000201811.43), dbSNP rs375788626, ClinGen allele CA308461.
Genomic context (GRCh38, chr17:41,769,459, plus strand): 5'-AGCAGGGACCCTCACAGACCGGGTCCTCGTCGTTGAGCAGTTTGGTGAGCTCGGGCAGGG[C>T]GCGAGTGGCCAGCTCGGCATCGTCCTGGTAGTTGATGAGATGCACAATGGCCGACTTGAG-3'
Protein context (NP_002221.1, residues 133-153): YQDDAELATR[Ala143Thr]LPELTKLLND

ClinVar aggregate classification (germline): Conflicting classifications of pathogenicity. Review status: criteria provided, conflicting classifications (1 of 4 stars). 10 submissions from 10 submitters: Uncertain significance (8); Benign (1); Likely benign (1). Last evaluated 2026-01-11.

Conditions:
JUP-related disorder. Also called: JUP-related condition.
Cardiovascular phenotype. Identifiers: MedGen CN230736.
Cardiac arrhythmia. Also called: Arrhythmia; Cardiac rhythm disease. Identifiers: MedGen C0003811, MONDO:0007263, HP:0011675.
Naxos disease (NXD). Also called: CARDIOMYOPATHY, ARRHYTHMOGENIC RIGHT VENTRICULAR, WITH SKIN, HAIR, AND NAIL ABNORMALITIES; WOOLLY HAIR, PALMOPLANTAR KERATODERMA, AND CARDIAC ABNORMALITIES; MAL DE NAXOS; PALMOPLANTAR KERATODERMA WITH ARRHYTHMOGENIC RIGHT VENTRICULAR CARDIOMYOPATHY AND WOOLLY HAIR; KERATOSIS PALMOPLANTARIS WITH ARRHYTHMOGENIC CARDIOMYOPATHY. Identifiers: Orphanet 34217, MedGen C1832600, MONDO:0011017, OMIM 601214.
Arrhythmogenic right ventricular dysplasia 12. Also called: ARRHYTHMOGENIC RIGHT VENTRICULAR DYSPLASIA, FAMILIAL, 12. Identifiers: MedGen C1969081, MONDO:0012684, OMIM 611528.
Cardiomyopathy (CMYO). Also called: Cardiomyopathies. Identifiers: Orphanet 167848, MedGen C0878544, MONDO:0004994, HP:0001638. Inheritance: Various modes of inheritance.

Allele frequency attached by ClinVar (database versions not stated): TOPMed 0.00006; gnomAD 0.00007 and 0.00008; ESP Exome Variant Server 0.00008; gnomAD exomes 0.00009; ExAC 0.00011.

Submissions (10):

Labcorp Genetics (formerly Invitae), Labcorp
Classification: Benign for Arrhythmogenic right ventricular dysplasia 12; Naxos disease. Last evaluated: 2026-01-11. Review status: criteria provided, single submitter. Criteria: Invitae Variant Classification Sherloc (09022015). Collection method: clinical testing. Allele origin: germline.

Petrovsky National Research Centre of Surgery, The Federal Agency for Scientific Organizations
Classification: Uncertain significance for Cardiac arrhythmia. Last evaluated: 2025-11-18. Review status: criteria provided, single submitter. Criteria: ACMG Guidelines, 2015. Collection method: clinical testing. Allele origin: germline. Affected: yes.
Comment: The variant is present in The Genome Aggregation Database (gnomAD) v4.1.0 with a total MAF of 0.00009858. In accordance with ACMG (2015) criteria, this variant is classified as Variant of Uncertain Significance (Class III) with the following criteria applied: PM2, PP3.

Molecular Diagnostic Laboratory for Inherited Cardiovascular Disease, Montreal Heart Institute
Classification: Uncertain significance for Cardiovascular phenotype. Last evaluated: 2025-04-09. Review status: criteria provided, single submitter. Criteria: ACMG Guidelines, 2015. Collection method: clinical testing. Allele origin: germline. Affected: yes.

PreventionGenetics, part of Exact Sciences
Classification: Uncertain significance for JUP-related condition. Last evaluated: 2024-12-30. Review status: criteria provided, single submitter. Criteria: ACMG Guidelines, 2015. Collection method: clinical testing. Allele origin: germline.
Comment: The JUP c.427G>A variant is predicted to result in the amino acid substitution p.Ala143Thr. This variant has been reported in three individuals with various cardiomyopathies, including one who succumbed to sudden cardiac death (La Gerche et al. 2010. PubMed ID: 20525856; Hata et al. 2016. PubMed ID: 27005929; Table S2, Burstein et al. 2020. PubMed ID: 32746448). This variant is reported in 0.015% of alleles in individuals of East Asian descent in gnomAD. At this time, the clinical significance of this variant is uncertain due to the absence of conclusive functional and genetic evidence.

Fulgent Genetics
Classification: Uncertain significance for Naxos disease; Arrhythmogenic right ventricular dysplasia 12. Last evaluated: 2024-04-09. Review status: criteria provided, single submitter. Criteria: ACMG Guidelines, 2015. Collection method: clinical testing. Allele origin: germline.

CeGaT Center for Human Genetics Tuebingen
Classification: Uncertain significance. Last evaluated: 2024-03-01. Review status: criteria provided, single submitter. Criteria: CeGaT Center For Human Genetics Tuebingen Variant Classification Criteria Version 2. Collection method: clinical testing. Allele origin: germline. Affected: yes. Observed: 1 variant allele.

Ambry Genetics
Classification: Likely benign for Cardiovascular phenotype. Last evaluated: 2023-05-19. Review status: criteria provided, single submitter. Criteria: Ambry Variant Classification Scheme 2023. Collection method: clinical testing. Allele origin: germline.

CHEO Genetics Diagnostic Laboratory, Children's Hospital of Eastern Ontario
Classification: Uncertain significance for Cardiomyopathy. Last evaluated: 2021-08-20. Review status: criteria provided, single submitter. Criteria: ACMG Guidelines, 2015. Collection method: clinical testing. Allele origin: germline.

Laboratory for Molecular Medicine, Mass General Brigham Personalized Medicine
Classification: Uncertain significance. Last evaluated: 2017-09-04. Review status: criteria provided, single submitter. Criteria: LMM Criteria. Collection method: clinical testing. Allele origin: germline. Observed: 2 variant alleles.
Comment: The p.Ala143Thr variant in JUP has been reported in 2 individuals with ARVC (LaG erche 2010; Green 2015). It has been also identified in 4/18780 of East Asian ch romosomes and 15/124482 European chromosomes by the Genome Aggregation Database (gnomAD; dbSNP rs375788626). Computational pre diction tools and conservation analysis suggest that the p.Ala143Thr variant may impact the protein, though this information is not predictive enough to determi ne pathogenicity. In summary, the clinical significance of the p.Ala143Thr varia nt is uncertain.

Stanford Center for Inherited Cardiovascular Disease, Stanford University
Classification: Uncertain significance. Last evaluated: 2017-06-26. Review status: criteria provided, single submitter. Criteria: ACMG Guidelines, 2015. Collection method: provider interpretation. Allele origin: germline.

Literature cited by the submitters: PubMed 20525856 (cited by Ambry Genetics and Laboratory for Molecular Medicine, Mass General Brigham Personalized Medicine); PubMed 23299917 (cited by Ambry Genetics and Laboratory for Molecular Medicine, Mass General Brigham Personalized Medicine); PubMed 25445213 (cited by Ambry Genetics and Laboratory for Molecular Medicine, Mass General Brigham Personalized Medicine); PubMed 27005929 (cited by Ambry Genetics).